The following is an entry in ClinVar:

ClinVar aggregate classification (germline): Uncertain significance (1 of 4 stars; one submission).

Conditions:
Salla disease (SD). Also called: Less Severe FSASD (Salla Disease); Sialuria, Finnish type; N-acetylneuraminic acid (NANA) storage disease (NSD); Infantile sialic acid storage disorder (ISSD). Identifiers: Orphanet 309334, Orphanet 834, MedGen C1096903, MONDO:0011449, OMIM 604369.

Allele frequency attached by ClinVar (database versions not stated): gnomAD 0.00001.
gnomAD v4.1: 11 of 1,608,476 alleles (0.00068%); highest among the groups gnomAD compares: Non-Finnish European, 0.00076%; no homozygotes.

Submission:

Labcorp Genetics (formerly Invitae), Labcorp
Classification: Uncertain significance for Salla disease. Last evaluated: 2022-09-01. Review status: criteria provided, single submitter. Criteria: Invitae Variant Classification Sherloc (09022015). Collection method: clinical testing. Allele origin: germline.
Comment: This sequence change falls in intron 1 of the SLC17A5 gene. It does not directly change the encoded amino acid sequence of the SLC17A5 protein. This variant is not present in population databases (gnomAD no frequency). This variant has not been reported in the literature in individuals affected with SLC17A5-related conditions. ClinVar contains an entry for this variant (Variation ID: 1437777). Algorithms developed to predict the effect of sequence changes on RNA splicing suggest that this variant may disrupt the consensus splice site. In summary, the available evidence is currently insufficient to determine the role of this variant in disease. Therefore, it has been classified as a Variant of Uncertain Significance.

NM_012434.5(SLC17A5):c.95-13A>G

Gene: SLC17A5 (solute carrier family 17 member 5; minus strand). Cytogenetic location: 6q13.
Variant type: single nucleotide variant.
Coding change: c.95-13A>G on transcript NM_012434.5 (MANE Select); 13 bases into the intron before coding-DNA position 95, A replaced by G.
Molecular consequence: intron variant.
Genome position (GRCh38, 1-based): chr6:73,644,616, T>C on the plus strand (A>G on the coding strand, the complement: SLC17A5 is on the minus strand). VCF-style: chr6-73644616-T-C. GRCh37 (hg19) VCF-style: chr6-74354339-T-C.
Other names: c.61-2692A>G (NM_001382636.1, NM_001382629.1); c.95-13A>G (NM_001382632.1, NM_001382635.1, NM_001382634.1 and 2 more transcripts); c.116-13A>G (NM_001382631.1).
Identifiers: ClinVar variation 1437777 (VCV001437777.5), dbSNP rs1181668892, ClinGen allele CA827976162.
Genomic context (GRCh38, chr6:73,644,616, plus strand): 5'-AAAAGGCCAAAATTGCTAAGTTGTAACGAGCAGAGCAGCACACTGGAGCTGAAATAAAGA[T>C]TGGGGAAAATTTTTATTTATTTTTAAATTTTTATTTTTAGAGACAGGGTTTTGCCATGTT-3'